The following is an entry in ClinVar:

ClinVar aggregate classification (germline): Likely benign (1 of 4 stars; one submission).

Submission:

CeGaT Center for Human Genetics Tuebingen
Classification: Likely benign. Last evaluated: 2026-06-01. Review status: criteria provided, single submitter. Criteria: CeGaT Center For Human Genetics Tuebingen Variant Classification Criteria Version 2. Collection method: clinical testing. Allele origin: germline. Affected: yes. Observed: 1 variant allele.
Comment: PRKCG: BS1

NM_002739.5(PRKCG):c.1576-165_1576-157dup

Gene: PRKCG (protein kinase C gamma; plus strand). Cytogenetic location: 19q13.42.
Variant type: Duplication.
Coding change: c.1576-165_1576-157dup on transcript NM_002739.5 (MANE Select); 165 bases into the intron before coding-DNA position 1576 through 157 bases into the intron before coding-DNA position 1576, 9 bases duplicated (AAAAAAAAA; older notation c.1576-165_1576-157dupAAAAAAAAA).
Molecular consequence: intron variant.
Genome position (GRCh38, 1-based): chr19:53,902,908-53,902,916, AAAAAAAAA duplicated; duplicating any 9 consecutive bases within chr19:53,902,891-53,902,916 gives the same sequence; the c. name uses the placement nearest the transcript's 3' end. VCF-style (leftmost placement, unchanged base first): chr19-53902890-C-CAAAAAAAAA. GRCh37 (hg19) VCF-style: chr19-54406144-C-CAAAAAAAAA.
Other names: c.1576-165_1576-157dup (NM_001316329.2).
Identifiers: ClinVar variation 4874099 (VCV004874099.2).